The following is an entry in ClinVar:

NM_002439.5(MSH3):c.2732T>C (p.Leu911Ser)

Gene: MSH3 (mutS homolog 3; plus strand). Cytogenetic location: 5q14.1.
Variant type: single nucleotide variant.
Coding change: c.2732T>C on transcript NM_002439.5 (MANE Select); coding-DNA position 2732, T replaced by C.
Protein change: p.Leu911Ser; replaces leucine 911 with serine.
Molecular consequence: missense variant.
Genome position (GRCh38, 1-based): chr5:80,813,660, T>C. VCF-style: chr5-80813660-T-C. GRCh37 (hg19) VCF-style: chr5-80109479-T-C.
Other names: short protein forms L911S.
Identifiers: ClinVar variation 5024823 (VCV005024823.1).

ClinVar aggregate classification (germline): Uncertain significance (1 of 4 stars; one submission).

Conditions:
Hereditary cancer-predisposing syndrome. Also called: Neoplastic Syndromes, Hereditary; Tumor predisposition; Hereditary neoplastic syndrome; Hereditary Cancer Syndrome. Identifiers: Orphanet 140162, MedGen C0027672, MeSH D009386, MONDO:0015356.

Submission:

Ambry Genetics
Classification: Uncertain significance for Hereditary cancer-predisposing syndrome. Last evaluated: 2026-08-14. Review status: criteria provided, single submitter. Criteria: Ambry Variant Classification Scheme 2023. Collection method: clinical testing. Allele origin: germline.
Comment: The p.L911S variant (also known as c.2732T>C), located in coding exon 20 of the MSH3 gene, results from a T to C substitution at nucleotide position 2732. The leucine at codon 911 is replaced by serine, an amino acid with dissimilar properties. This amino acid position is highly conserved in available vertebrate species. In addition, this alteration is predicted to be deleterious by in silico analysis. Based on the available evidence, the clinical significance of this variant remains unclear.